The following is an entry in ClinVar:

NM_032444.4(SLX4):c.336G>A (p.Pro112=)

Gene: SLX4 (SLX4 structure-specific endonuclease subunit; minus strand). Cytogenetic location: 16p13.3.
Variant type: single nucleotide variant.
Coding change: c.336G>A on transcript NM_032444.4 (MANE Select); coding-DNA position 336, G replaced by A.
Protein change: p.Pro112=; no amino-acid change (proline 112 retained).
Molecular consequence: synonymous variant.
Genome position (GRCh38, 1-based): chr16:3,608,629, C>T on the plus strand (G>A on the coding strand, the complement: SLX4 is on the minus strand). VCF-style: chr16-3608629-C-T. GRCh37 (hg19) VCF-style: chr16-3658630-C-T.
Other names: c.336G>A (LRG_503t1, NM_032444.3).
Identifiers: ClinVar variation 241679 (VCV000241679.47), dbSNP rs79126454, ClinGen allele CA7866904.

ClinVar aggregate classification (germline): Benign/Likely benign. Review status: criteria provided, multiple submitters, no conflicts (2 of 4 stars). 9 submissions from 9 submitters: Benign (7); Likely benign (2). Last evaluated 2026-08-01.

Conditions:
Fanconi anemia complementation group P. Also called: SLX4-Related Fanconi Anemia. Identifiers: Orphanet 84, MedGen C3469542, MONDO:0013499, OMIM 613951.
Fanconi anemia (FA). Also called: Fanconi's anemia. Identifiers: Orphanet 84, MedGen C0015625, MeSH D005199, MONDO:0019391.

Allele frequency attached by ClinVar (database versions not stated): gnomAD exomes 0.00099; ExAC 0.00129; gnomAD 0.00362 and 0.00393; ESP Exome Variant Server 0.00385; TOPMed 0.00397; 1000 Genomes Project 0.00419; 1000 Genomes Project 30x 0.00437.
gnomAD v4.1: 1,142 of 1,614,138 alleles (0.071%); highest among the groups gnomAD compares: African/African-American, 1.3%; 10 homozygotes.

Submissions (9):

CeGaT Center for Human Genetics Tuebingen
Classification: Likely benign. Last evaluated: 2026-08-01. Review status: criteria provided, single submitter. Criteria: CeGaT Center For Human Genetics Tuebingen Variant Classification Criteria Version 2. Collection method: clinical testing. Allele origin: germline. Affected: yes. Observed: 8 variant alleles.
Comment: SLX4: BP4, BP7, BS1

Labcorp Genetics (formerly Invitae), Labcorp
Classification: Benign for Fanconi anemia. Last evaluated: 2026-01-23. Review status: criteria provided, single submitter. Criteria: Invitae Variant Classification Sherloc (09022015). Collection method: clinical testing. Allele origin: germline.

Blueprint Genetics
Classification: Likely benign. Last evaluated: 2024-09-23. Review status: criteria provided, single submitter. Criteria: ACMG Guidelines, 2015. Collection method: clinical testing. Allele origin: germline.

ARUP Laboratories, Molecular Genetics and Genomics, ARUP Laboratories
Classification: Benign for Fanconi anemia complementation group P. Last evaluated: 2024-05-01. Review status: criteria provided, single submitter. Criteria: ARUP Molecular Germline Variant Investigation Process 2024. Collection method: clinical testing. Allele origin: germline.

KCCC/NGS Laboratory, Kuwait Cancer Control Center
Classification: Benign for Fanconi anemia complementation group P. Last evaluated: 2023-07-07. Review status: criteria provided, single submitter. Criteria: ACMG Guidelines, 2015. Collection method: clinical testing. Allele origin: germline. Affected: yes.

Genetic Services Laboratory, University of Chicago
Classification: Benign. Last evaluated: 2019-09-12. Review status: criteria provided, single submitter. Criteria: ACMG Guidelines, 2015. Collection method: clinical testing. Allele origin: germline. Affected: no.

Illumina Laboratory Services, Illumina
Classification: Benign for Fanconi anemia complementation group P. Last evaluated: 2018-01-13. Review status: criteria provided, single submitter. Criteria: ICSL Variant Classification Criteria 13 December 2019. Collection method: clinical testing. Allele origin: germline.
Comment: This variant was observed in the ICSL laboratory as part of a predisposition screen in an ostensibly healthy population. It had not been previously curated by ICSL or reported in the Human Gene Mutation Database (HGMD: prior to June 1st, 2018), and was therefore a candidate for classification through an automated scoring system. Utilizing variant allele frequency, disease prevalence and penetrance estimates, and inheritance mode, an automated score was calculated to assess if this variant is too frequent to cause the disease. Based on the score and internal cut-off values, a variant classified as benign is not then subjected to further curation. The score for this variant resulted in a classification of benign for this disease.

Breakthrough Genomics
Classification: Benign. Review status: criteria provided, single submitter. Criteria: ACMG Guidelines, 2015. Collection method: not provided. Allele origin: germline. Inheritance: Autosomal recessive inheritance. Affected: yes.

PreventionGenetics, part of Exact Sciences
Classification: Benign. Review status: criteria provided, single submitter. Criteria: ACMG Guidelines, 2015. Collection method: clinical testing. Allele origin: germline.